The following is an entry in ClinVar:

NM_002432.3(MNDA):c.52G>T (p.Asp18Tyr)

Gene: MNDA (myeloid cell nuclear differentiation antigen; plus strand). Cytogenetic location: 1q23.1.
Variant type: single nucleotide variant.
Coding change: c.52G>T on transcript NM_002432.3 (MANE Select); coding-DNA position 52, G replaced by T.
Protein change: p.Asp18Tyr; replaces aspartic acid 18 with tyrosine.
Molecular consequence: missense variant.
Genome position (GRCh38, 1-based): chr1:158,842,205, G>T. VCF-style: chr1-158842205-G-T. GRCh37 (hg19) VCF-style: chr1-158811995-G-T.
Other names: short protein forms D18Y.
Identifiers: ClinVar variation 3222197 (VCV003222197.1), dbSNP rs1472484509, ClinGen allele CA343036415.
Genomic context (GRCh38, chr1:158,842,205, plus strand): 5'-ACATCAGAAATGGTGAATGAATACAAGAAAATTCTTTTGCTGAAAGGATTTGAGCTCATG[G>T]ATGATTATCATTTTACATCAATTAAGTCCTTACTGGCCTATGATTTAGGACTAACTACAA-3'
Protein context (NP_002423.1, residues 8-28): ILLLKGFELM[Asp18Tyr]DYHFTSIKSL

ClinVar aggregate classification (germline): Uncertain significance (1 of 4 stars; one submission).

gnomAD v4.1: 2 of 1,613,746 alleles (0.00012%); highest among the groups gnomAD compares: Non-Finnish European, 0.00017%; no homozygotes.

Submission:

Ambry Genetics
Classification: Uncertain significance. Last evaluated: 2024-01-28. Review status: criteria provided, single submitter. Criteria: Ambry Variant Classification Scheme 2023. Collection method: clinical testing. Allele origin: germline.
Comment: The p.D18Y variant (also known as c.52G>T), located in coding exon 1 of the MNDA gene, results from a G to T substitution at nucleotide position 52. The aspartic acid at codon 18 is replaced by tyrosine, an amino acid with highly dissimilar properties. This amino acid position is conserved. In addition, this alteration is predicted to be tolerated by in silico analysis. Based on the available evidence, the clinical significance of this alteration remains unclear.